The following is an entry in ClinVar:

ClinVar aggregate classification (germline): Uncertain significance (1 of 4 stars; one submission).

Submission:

GeneDx
Classification: Uncertain significance. Last evaluated: 2025-06-02. Review status: criteria provided, single submitter. Criteria: GeneDx Variant Classification Process June 2021. Collection method: clinical testing. Allele origin: germline. Affected: yes.
Comment: Not observed at significant frequency in large population cohorts (gnomAD); In silico analysis suggests that this missense variant does not alter protein structure/function; Has not been previously published as pathogenic or benign to our knowledge

NM_138927.4(SON):c.2641A>T (p.Met881Leu)

Gene: SON (SON DNA and RNA binding protein; plus strand). Cytogenetic location: 21q22.11.
Variant type: single nucleotide variant.
Coding change: c.2641A>T on transcript NM_138927.4 (MANE Select); coding-DNA position 2641, A replaced by T.
Protein change: p.Met881Leu; replaces methionine 881 with leucine.
Molecular consequence: missense variant. On other transcripts: non-coding transcript variant (1), intron variant (1).
Genome position (GRCh38, 1-based): chr21:33,551,872, A>T. VCF-style: chr21-33551872-A-T. GRCh37 (hg19) VCF-style: chr21-34924178-A-T.
Other names: c.2641A>T, p.Met881Leu (NM_001291411.2, NM_032195.3); c.245-5284A>T (NM_001291412.3); short protein forms M881L.
Identifiers: ClinVar variation 4536372 (VCV004536372.1).